The following is an entry in ClinVar:

NM_133459.4(CCBE1):c.*378G>A

Gene: CCBE1 (collagen and calcium binding EGF domains 1; minus strand). Cytogenetic location: 18q21.32.
Variant type: single nucleotide variant.
Coding change: c.*378G>A on transcript NM_133459.4 (MANE Select); 378 bases downstream of the stop codon, G replaced by A.
Molecular consequence: 3 prime UTR variant.
Genome position (GRCh38, 1-based): chr18:59,435,530, C>T on the plus strand (G>A on the coding strand, the complement: CCBE1 is on the minus strand). VCF-style: chr18-59435530-C-T. GRCh37 (hg19) VCF-style: chr18-57102762-C-T.
Other names: c.*378G>A (LRG_1209t1).
Identifiers: ClinVar variation 327691 (VCV000327691.5), dbSNP rs141921214, ClinGen allele CA10652064.

ClinVar aggregate classification (germline): Likely benign (1 of 4 stars; one submission).

Conditions:
Hennekam lymphangiectasia-lymphedema syndrome 1 (HKLLS1). Also called: LYMPHATIC DYSPLASIA, GENERALIZED. Identifiers: Orphanet 2136, MedGen C4012050, MONDO:0009337, OMIM 235510.

Allele frequency attached by ClinVar (database versions not stated): gnomAD exomes 0.00027; gnomAD 0.00264 and 0.00289; 1000 Genomes Project 30x 0.00297; 1000 Genomes Project 0.00300; TOPMed 0.00324.
gnomAD v4.1: 442 of 306,554 alleles (0.14%); highest among the groups gnomAD compares: African/African-American, 0.86%; 3 homozygotes.

Submission:

Illumina Laboratory Services, Illumina
Classification: Likely benign for Hennekam lymphangiectasia-lymphedema syndrome 1. Last evaluated: 2018-01-13. Review status: criteria provided, single submitter. Criteria: ICSL Variant Classification Criteria 13 December 2019. Collection method: clinical testing. Allele origin: germline.
Comment: This variant was observed in the ICSL laboratory as part of a predisposition screen in an ostensibly healthy population. It had not been previously curated by ICSL or reported in the Human Gene Mutation Database (HGMD: prior to June 1st, 2018), and was therefore a candidate for classification through an automated scoring system. Utilizing variant allele frequency, disease prevalence and penetrance estimates, and inheritance mode, an automated score was calculated to assess if this variant is too frequent to cause the disease. Based on the score and internal cut-off values, a variant classified as likely benign is not then subjected to further curation. The score for this variant resulted in a classification of likely benign for this disease.